The following is an entry in ClinVar:

NM_020810.3(TRMT5):c.1444+4A>G

Gene: TRMT5 (tRNA methyltransferase 5; minus strand). Cytogenetic location: 14q23.1.
Variant type: single nucleotide variant.
Coding change: c.1444+4A>G on transcript NM_020810.3 (MANE Select); 4 bases into the intron after coding-DNA position 1444, A replaced by G.
Molecular consequence: intron variant.
Genome position (GRCh38, 1-based): chr14:60,975,471, T>C on the plus strand (A>G on the coding strand, the complement: TRMT5 is on the minus strand). VCF-style: chr14-60975471-T-C. GRCh37 (hg19) VCF-style: chr14-61442189-T-C.
Other names: c.1528+4A>G (NM_001350253.1); c.1525+4A>G (NM_001350254.1).
Identifiers: ClinVar variation 2110629 (VCV002110629.4), dbSNP rs2502984745, ClinGen allele CA2580088299.

ClinVar aggregate classification (germline): Uncertain significance (1 of 4 stars; one submission).

Submission:

Labcorp Genetics (formerly Invitae), Labcorp
Classification: Uncertain significance. Last evaluated: 2025-10-02. Review status: criteria provided, single submitter. Criteria: Invitae Variant Classification Sherloc (09022015). Collection method: clinical testing. Allele origin: germline.
Comment: This sequence change falls in intron 4 of the TRMT5 gene. It does not directly change the encoded amino acid sequence of the TRMT5 protein. It affects a nucleotide within the consensus splice site. This variant is not present in population databases (gnomAD no frequency). This variant has not been reported in the literature in individuals affected with TRMT5-related conditions. ClinVar contains an entry for this variant (Variation ID: 2110629). Variants that disrupt the consensus splice site are a relatively common cause of aberrant splicing (PMID: 17576681, 9536098). Algorithms developed to predict the effect of sequence changes on RNA splicing suggest that this variant may disrupt the consensus splice site. In summary, the available evidence is currently insufficient to determine the role of this variant in disease. Therefore, it has been classified as a Variant of Uncertain Significance.

Literature cited by the submitters: PubMed 17576681; PubMed 9536098.